The following is an entry in ClinVar:

NM_002335.4(LRP5):c.3097A>T (p.Ile1033Phe)

Gene: LRP5 (LDL receptor related protein 5; plus strand). Cytogenetic location: 11q13.2.
Variant type: single nucleotide variant.
Coding change: c.3097A>T on transcript NM_002335.4 (MANE Select); coding-DNA position 3097, A replaced by T.
Protein change: p.Ile1033Phe; replaces isoleucine 1033 with phenylalanine.
Molecular consequence: missense variant.
Genome position (GRCh38, 1-based): chr11:68,423,558, A>T. VCF-style: chr11-68423558-A-T. GRCh37 (hg19) VCF-style: chr11-68191026-A-T.
Other names: c.1354A>T, p.Ile452Phe (NM_001291902.2); short protein forms I1033F, I452F.
Identifiers: ClinVar variation 1382022 (VCV001382022.6), dbSNP rs2153173029, ClinGen allele CA381620707.

ClinVar aggregate classification (germline): Uncertain significance (1 of 4 stars; one submission).

Submission:

Labcorp Genetics (formerly Invitae), Labcorp
Classification: Uncertain significance. Last evaluated: 2025-04-17. Review status: criteria provided, single submitter. Criteria: Invitae Variant Classification Sherloc (09022015). Collection method: clinical testing. Allele origin: germline.
Comment: This sequence change replaces isoleucine, which is neutral and non-polar, with phenylalanine, which is neutral and non-polar, at codon 1033 of the LRP5 protein (p.Ile1033Phe). This variant is not present in population databases (gnomAD no frequency). This variant has not been reported in the literature in individuals affected with LRP5-related conditions. ClinVar contains an entry for this variant (Variation ID: 1382022). Invitae Evidence Modeling of protein sequence and biophysical properties (such as structural, functional, and spatial information, amino acid conservation, physicochemical variation, residue mobility, and thermodynamic stability) indicates that this missense variant is not expected to disrupt LRP5 protein function with a negative predictive value of 95%. In summary, the available evidence is currently insufficient to determine the role of this variant in disease. Therefore, it has been classified as a Variant of Uncertain Significance.